The following is an entry in ClinVar:

ClinVar aggregate classification (germline): Likely benign. Review status: criteria provided, multiple submitters, no conflicts (2 of 4 stars). 2 submissions from 2 submitters: Likely benign (2). Last evaluated 2026-05-01.

Conditions:
Neonatal encephalomyopathy-cardiomyopathy-respiratory distress syndrome. Also called: Coenzyme Q10 deficiency, primary, 7. Identifiers: Orphanet 457185, MedGen C5568562, MONDO:0014562, OMIM 616276.

Allele frequency attached by ClinVar (database versions not stated): gnomAD 0.00001.
gnomAD v4.1: 17 of 1,609,970 alleles (0.0011%); highest among the groups gnomAD compares: Non-Finnish European, 0.0013%; no homozygotes.

Submissions (2):

CeGaT Center for Human Genetics Tuebingen
Classification: Likely benign. Last evaluated: 2026-05-01. Review status: criteria provided, single submitter. Criteria: CeGaT Center For Human Genetics Tuebingen Variant Classification Criteria Version 2. Collection method: clinical testing. Allele origin: germline. Affected: yes. Observed: 2 variant alleles.
Comment: COQ4: BP4, BP7

Labcorp Genetics (formerly Invitae), Labcorp
Classification: Likely benign for Neonatal encephalomyopathy-cardiomyopathy-respiratory distress syndrome. Last evaluated: 2024-09-06. Review status: criteria provided, single submitter. Criteria: Invitae Variant Classification Sherloc (09022015). Collection method: clinical testing. Allele origin: germline.

NM_016035.5(COQ4):c.456A>T (p.Leu152=)

Gene: COQ4 (coenzyme Q4; plus strand). Cytogenetic location: 9q34.11.
Variant type: single nucleotide variant.
Coding change: c.456A>T on transcript NM_016035.5 (MANE Select); coding-DNA position 456, A replaced by T.
Protein change: p.Leu152=; no amino-acid change (leucine 152 retained).
Molecular consequence: synonymous variant. On other transcripts: intron variant (1).
Genome position (GRCh38, 1-based): chr9:128,332,206, A>T. VCF-style: chr9-128332206-A-T. GRCh37 (hg19) VCF-style: chr9-131094485-A-T.
Other names: c.*3-1268A>T (NM_001305942.2).
Identifiers: ClinVar variation 1695266 (VCV001695266.33), dbSNP rs748087262, ClinGen allele CA200341641.